The following is an entry in ClinVar:

ClinVar aggregate classification (germline): Likely benign. Review status: criteria provided, multiple submitters, no conflicts (2 of 4 stars). 4 submissions from 4 submitters: Likely benign (4). Last evaluated 2026-05-01.

Conditions:
ZNF469-related disorder. Also called: ZNF469-related condition.
Cardiovascular phenotype. Identifiers: MedGen CN230736.

gnomAD v4.1: 60 of 1,542,100 alleles (0.0039%); highest among the groups gnomAD compares: Non-Finnish European, 0.0051%; no homozygotes.

Submissions (4):

CeGaT Center for Human Genetics Tuebingen
Classification: Likely benign. Last evaluated: 2026-05-01. Review status: criteria provided, single submitter. Criteria: CeGaT Center For Human Genetics Tuebingen Variant Classification Criteria Version 2. Collection method: clinical testing. Allele origin: germline. Affected: yes. Observed: 2 variant alleles.
Comment: ZNF469: BP4, BP7

PreventionGenetics, part of Exact Sciences
Classification: Likely benign for ZNF469-related condition. Last evaluated: 2026-03-09. Review status: criteria provided, single submitter. Criteria: ACMG Guidelines, 2015. Collection method: clinical testing. Allele origin: germline.
Comment: This variant is classified as likely benign based on ACMG/AMP sequence variant interpretation guidelines (Richards et al. 2015 PMID: 25741868, with internal and published modifications).

Labcorp Genetics (formerly Invitae), Labcorp
Classification: Likely benign. Last evaluated: 2026-01-24. Review status: criteria provided, single submitter. Criteria: Invitae Variant Classification Sherloc (09022015). Collection method: clinical testing. Allele origin: germline.

Ambry Genetics
Classification: Likely benign for Cardiovascular phenotype. Last evaluated: 2019-11-26. Review status: criteria provided, single submitter. Criteria: Ambry Variant Classification Scheme 2023. Collection method: clinical testing. Allele origin: germline.

NM_001367624.2(ZNF469):c.9099C>A (p.Pro3033=)

Gene: ZNF469 (zinc finger protein 469; plus strand). Cytogenetic location: 16q24.2.
Variant type: single nucleotide variant.
Coding change: c.9099C>A on transcript NM_001367624.2 (MANE Select); coding-DNA position 9099, C replaced by A.
Protein change: p.Pro3033=; no amino-acid change (proline 3033 retained).
Molecular consequence: synonymous variant.
Genome position (GRCh38, 1-based): chr16:88,436,569, C>A. VCF-style: chr16-88436569-C-A. GRCh37 (hg19) VCF-style: chr16-88502977-C-A.
Other names: NM_001127464.1:c.9015C>A; NM_001127464.2:c.9015C>A.
Identifiers: ClinVar variation 1765480 (VCV001765480.19), dbSNP rs745592403, ClinGen allele CA286385038.